The following is an entry in ClinVar:

NM_001365276.2(TNXB):c.6177C>T (p.His2059=)

Gene: TNXB (tenascin XB; minus strand). Cytogenetic location: 6p21.33.
Variant type: single nucleotide variant.
Coding change: c.6177C>T on transcript NM_001365276.2 (MANE Select); coding-DNA position 6177, C replaced by T.
Protein change: p.His2059=; no amino-acid change (histidine 2059 retained).
Molecular consequence: synonymous variant.
Genome position (GRCh38, 1-based): chr6:32,068,433, G>A on the plus strand (C>T on the coding strand, the complement: TNXB is on the minus strand). VCF-style: chr6-32068433-G-A. GRCh37 (hg19) VCF-style: chr6-32036210-G-A.
Other names: c.6177C>T, p.His2059= (NM_019105.8).
Identifiers: ClinVar variation 1752027 (VCV001752027.24), dbSNP rs551447544, ClinGen allele CA3734514.

ClinVar aggregate classification (germline): Likely benign. Review status: criteria provided, multiple submitters, no conflicts (2 of 4 stars). 2 submissions from 2 submitters: Likely benign (2). Last evaluated 2024-01-01.

Conditions:
Cardiovascular phenotype. Identifiers: MedGen CN230736.

gnomAD v4.1: 17 of 1,613,718 alleles (0.0011%); highest among the groups gnomAD compares: South Asian, 0.0033%; no homozygotes.

Submissions (2):

CeGaT Center for Human Genetics Tuebingen
Classification: Likely benign. Last evaluated: 2024-01-01. Review status: criteria provided, single submitter. Criteria: CeGaT Center For Human Genetics Tuebingen Variant Classification Criteria Version 2. Collection method: clinical testing. Allele origin: germline. Affected: yes. Observed: 1 variant allele.
Comment: TNXB: BP4, BP7

Ambry Genetics
Classification: Likely benign for Cardiovascular phenotype. Last evaluated: 2021-08-27. Review status: criteria provided, single submitter. Criteria: Ambry Variant Classification Scheme 2023. Collection method: clinical testing. Allele origin: germline.